The following is an entry in ClinVar:

NM_001034850.3(RETREG1):c.98C>A (p.Ser33Tyr)

Genes: RETREG1 (reticulophagy regulator 1; minus strand), RETREG1-AS1 (RETREG1 antisense RNA 1; plus strand), LOC129993734 (ATAC-STARR-seq lymphoblastoid silent region 15947; plus strand). Cytogenetic location: 5p15.1.
Variant type: single nucleotide variant.
Coding change: c.98C>A on transcript NM_001034850.3 (MANE Select); coding-DNA position 98, C replaced by A.
Protein change: p.Ser33Tyr; replaces serine 33 with tyrosine.
Molecular consequence: missense variant.
Genome position (GRCh38, 1-based): chr5:16,616,874, G>T on the plus strand (C>A on the coding strand, the complement: RETREG1 is on the minus strand). VCF-style: chr5-16616874-G-T. GRCh37 (hg19) VCF-style: chr5-16616983-G-T.
Other names: short protein forms S33Y.
Identifiers: ClinVar variation 538121 (VCV000538121.10), dbSNP rs1326167901, ClinGen allele CA359293024.

ClinVar aggregate classification (germline): Uncertain significance (1 of 4 stars; one submission).

Submission:

Labcorp Genetics (formerly Invitae), Labcorp
Classification: Uncertain significance. Last evaluated: 2017-10-26. Review status: criteria provided, single submitter. Criteria: Invitae Variant Classification Sherloc (09022015). Collection method: clinical testing. Allele origin: germline.
Comment: While this variant is not present in population databases, the frequency information is unreliable, as metrics indicate poor data quality at this position in the ExAC database. This sequence change replaces serine with tyrosine at codon 33 of the FAM134B protein (p.Ser33Tyr). The serine residue is weakly conserved and there is a large physicochemical difference between serine and tyrosine. In summary, the available evidence is currently insufficient to determine the role of this variant in disease. Therefore, it has been classified as a Variant of Uncertain Significance. This variant has not been reported in the literature in individuals with FAM134B-related disease.